The following is an entry in ClinVar:

NM_001146.5(ANGPT1):c.1117C>G (p.Leu373Val)

Gene: ANGPT1 (angiopoietin 1; minus strand). Cytogenetic location: 8q23.1.
Variant type: single nucleotide variant.
Coding change: c.1117C>G on transcript NM_001146.5 (MANE Select); coding-DNA position 1117, C replaced by G.
Protein change: p.Leu373Val; replaces leucine 373 with valine.
Molecular consequence: missense variant.
Genome position (GRCh38, 1-based): chr8:107,284,770, G>C on the plus strand (C>G on the coding strand, the complement: ANGPT1 is on the minus strand). VCF-style: chr8-107284770-G-C. GRCh37 (hg19) VCF-style: chr8-108296998-G-C.
Other names: c.1114C>G, p.Leu372Val (NM_001199859.3); c.517C>G, p.Leu173Val (NM_001314051.2); short protein forms L173V, L373V, L372V.
Identifiers: ClinVar variation 3664430 (VCV003664430.2).
Genomic context (GRCh38, chr8:107,284,770, plus strand): 5'-GGAATCTGTCATACTGTGAATAGGCTCGGTTCCCTTCCCAGTCCATTAACTCAATTCTTA[G>C]CATGTACTGCCTCTGACTGGTAATGGCAAAAATAAACTCATTCCCCAGCCAATATTCACC-3'
Protein context (NP_001137.2, residues 363-383): FAITSQRQYM[Leu373Val]RIELMDWEGN

ClinVar aggregate classification (germline): Uncertain significance (1 of 4 stars; one submission).

Submission:

Labcorp Genetics (formerly Invitae), Labcorp
Classification: Uncertain significance. Last evaluated: 2024-10-14. Review status: criteria provided, single submitter. Criteria: Invitae Variant Classification Sherloc (09022015). Collection method: clinical testing. Allele origin: germline.
Comment: This sequence change replaces leucine, which is neutral and non-polar, with valine, which is neutral and non-polar, at codon 373 of the ANGPT1 protein (p.Leu373Val). This variant is not present in population databases (gnomAD no frequency). This variant has not been reported in the literature in individuals affected with ANGPT1-related conditions. An algorithm developed to predict the effect of missense changes on protein structure and function (PolyPhen-2) suggests that this variant is likely to be disruptive. Algorithms developed to predict the effect of sequence changes on RNA splicing suggest that this variant may disrupt the consensus splice site. In summary, the available evidence is currently insufficient to determine the role of this variant in disease. Therefore, it has been classified as a Variant of Uncertain Significance.